The following is an entry in ClinVar:

ClinVar aggregate classification (germline): Conflicting classifications of pathogenicity. Review status: criteria provided, conflicting classifications (1 of 4 stars). 2 submissions from 2 submitters: Uncertain significance (1); Likely benign (1). Last evaluated 2025-10-18.

Conditions:
Inborn genetic diseases. Identifiers: MedGen C0950123, MeSH D030342.

Allele frequency attached by ClinVar (database versions not stated): gnomAD exomes 0.00001; TOPMed 0.00002; gnomAD 0.00003.

Submissions (2):

Ambry Genetics
Classification: Likely benign for Inborn genetic diseases. Last evaluated: 2025-10-18. Review status: criteria provided, single submitter. Criteria: Ambry Variant Classification Scheme 2023. Collection method: clinical testing. Allele origin: germline.

Labcorp Genetics (formerly Invitae), Labcorp
Classification: Uncertain significance. Last evaluated: 2022-10-13. Review status: criteria provided, single submitter. Criteria: Invitae Variant Classification Sherloc (09022015). Collection method: clinical testing. Allele origin: germline.
Comment: This sequence change replaces glycine, which is neutral and non-polar, with glutamic acid, which is acidic and polar, at codon 1295 of the GPR179 protein (p.Gly1295Glu). This variant is present in population databases (no rsID available, gnomAD 0.008%). This variant has not been reported in the literature in individuals affected with GPR179-related conditions. ClinVar contains an entry for this variant (Variation ID: 1469075). Algorithms developed to predict the effect of missense changes on protein structure and function output the following: SIFT: "Tolerated"; PolyPhen-2: "Benign"; Align-GVGD: "Class C0". The glutamic acid amino acid residue is found in multiple mammalian species, which suggests that this missense change does not adversely affect protein function. In summary, the available evidence is currently insufficient to determine the role of this variant in disease. Therefore, it has been classified as a Variant of Uncertain Significance.

NM_001004334.4(GPR179):c.3884G>A (p.Gly1295Glu)

Gene: GPR179 (G protein-coupled receptor 179; minus strand). Cytogenetic location: 17q12.
Variant type: single nucleotide variant.
Coding change: c.3884G>A on transcript NM_001004334.4 (MANE Select); coding-DNA position 3884, G replaced by A.
Protein change: p.Gly1295Glu; replaces glycine 1295 with glutamic acid.
Molecular consequence: missense variant.
Genome position (GRCh38, 1-based): chr17:38,329,685, C>T on the plus strand (G>A on the coding strand, the complement: GPR179 is on the minus strand). VCF-style: chr17-38329685-C-T. GRCh37 (hg19) VCF-style: chr17-36485568-C-T.
Other names: c.3884G>A (NM_001004334.2); short protein forms G1295E.
Identifiers: ClinVar variation 1469075 (VCV001469075.6), dbSNP rs998559953, ClinGen allele CA290104666.